The following is an entry in ClinVar:

NM_170606.3(KMT2C):c.10410G>A (p.Gln3470=)

Gene: KMT2C (lysine methyltransferase 2C; minus strand). Cytogenetic location: 7q36.1.
Variant type: single nucleotide variant.
Coding change: c.10410G>A on transcript NM_170606.3 (MANE Select); coding-DNA position 10410, G replaced by A.
Protein change: p.Gln3470=; no amino-acid change (glutamine 3470 retained).
Molecular consequence: synonymous variant.
Genome position (GRCh38, 1-based): chr7:152,163,167, C>T on the plus strand (G>A on the coding strand, the complement: KMT2C is on the minus strand). VCF-style: chr7-152163167-C-T. GRCh37 (hg19) VCF-style: chr7-151860252-C-T.
Identifiers: ClinVar variation 5040463 (VCV005040463.1).
Genomic context (GRCh38, chr7:152,163,167, plus strand): 5'-TTGTTGTATATTCTGCTGCTGTAAAACCTGCCCCATTTGCTGTTGGTGTTGTGGAGACTG[C>T]TGAAGGGGTCCTAGAGGTTGCATAAAATCACAAGGTAAGTCGGAACTGTAGAAGGGAATC-3'
Protein context (NP_733751.2, residues 3460-3480): CDFMQPLGPL[Gln3470=]QSPQHQQQMG

ClinVar aggregate classification (germline): Likely benign (1 of 4 stars; one submission).

gnomAD v4.1: 2 of 1,614,050 alleles (0.00012%); highest among the groups gnomAD compares: African/African-American, 0.0013%; no homozygotes.

Submission:

CeGaT Center for Human Genetics Tuebingen
Classification: Likely benign. Last evaluated: 2026-08-01. Review status: criteria provided, single submitter. Criteria: CeGaT Center For Human Genetics Tuebingen Variant Classification Criteria Version 2. Collection method: clinical testing. Allele origin: germline. Affected: yes. Observed: 1 variant allele.
Comment: KMT2C: BP4, BP7